The following is an entry in ClinVar:

ClinVar aggregate classification (germline): Uncertain significance. Review status: criteria provided, multiple submitters, no conflicts (2 of 4 stars). 2 submissions from 2 submitters: Uncertain significance (2). Last evaluated 2024-11-10.

Conditions:
Epilepsy, familial adult myoclonic, 5 (EPEO5). Also called: CORTICAL MYOCLONIC TREMOR WITH EPILEPSY, FAMILIAL, 5. Identifiers: Orphanet 86814, MedGen C3809374, MONDO:0014167, OMIM 615400.

Allele frequency attached by ClinVar (database versions not stated): gnomAD 0.00004; gnomAD exomes 0.00004 and 0.00009; TOPMed 0.00005; ExAC 0.00013.

Submissions (2):

Ambry Genetics
Classification: Uncertain significance. Last evaluated: 2024-11-10. Review status: criteria provided, single submitter. Criteria: Ambry Variant Classification Scheme 2023. Collection method: clinical testing. Allele origin: germline.

Labcorp Genetics (formerly Invitae), Labcorp
Classification: Uncertain significance for Epilepsy, familial adult myoclonic, 5. Last evaluated: 2022-07-26. Review status: criteria provided, single submitter. Criteria: Invitae Variant Classification Sherloc (09022015). Collection method: clinical testing. Allele origin: germline.
Comment: This sequence change replaces arginine, which is basic and polar, with histidine, which is basic and polar, at codon 62 of the CNTN2 protein (p.Arg62His). This variant is present in population databases (rs772280387, gnomAD 0.04%). This variant has not been reported in the literature in individuals affected with CNTN2-related conditions. ClinVar contains an entry for this variant (Variation ID: 1025398). Advanced modeling of protein sequence and biophysical properties (such as structural, functional, and spatial information, amino acid conservation, physicochemical variation, residue mobility, and thermodynamic stability) performed at Invitae indicates that this missense variant is not expected to disrupt CNTN2 protein function. In summary, the available evidence is currently insufficient to determine the role of this variant in disease. Therefore, it has been classified as a Variant of Uncertain Significance.

NM_005076.5(CNTN2):c.185G>A (p.Arg62His)

Gene: CNTN2 (contactin 2; plus strand). Cytogenetic location: 1q32.1.
Variant type: single nucleotide variant.
Coding change: c.185G>A on transcript NM_005076.5 (MANE Select); coding-DNA position 185, G replaced by A.
Protein change: p.Arg62His; replaces arginine 62 with histidine.
Molecular consequence: missense variant. On other transcripts: non-coding transcript variant (1).
Genome position (GRCh38, 1-based): chr1:205,058,035, G>A. VCF-style: chr1-205058035-G-A. GRCh37 (hg19) VCF-style: chr1-205027163-G-A.
Other names: c.185G>A, p.Arg62His (NM_001346083.2); c.185G>A (NM_005076.3); short protein forms R62H.
Identifiers: ClinVar variation 1025398 (VCV001025398.5), dbSNP rs772280387, ClinGen allele CA1350941.
Genomic context (GRCh38, chr1:205,058,035, plus strand): 5'-AGCCCCTCAGTGTGCTATTCCCAGAGGAGTCCACGGAGGAGCAGGTGTTGCTGGCATGCC[G>A]CGCCCGGGCCAGCCCTCCAGCCACCTATCGGTAAGGCCTCTGCAGTGGGTGCTGGGAGGC-3'
Protein context (NP_005067.1, residues 52-72): STEEQVLLAC[Arg62His]ARASPPATYR